The following is an entry in ClinVar:

ClinVar aggregate classification (germline): Pathogenic. Review status: criteria provided, multiple submitters, no conflicts (2 of 4 stars). 4 submissions from 4 submitters: Pathogenic (4). Last evaluated 2026-05-28.

Conditions:
Autosomal recessive polycystic kidney disease (ARPKD). Also called: AR polycystic kidney disease. Identifiers: Orphanet 731, Orphanet 8378, MedGen C0085548, MeSH D017044, MONDO:0009889.
Polycystic kidney disease 4 (PKD4). Also called: POLYCYSTIC KIDNEY DISEASE 4 WITH OR WITHOUT POLYCYSTIC LIVER DISEASE; PKD3; POLYCYSTIC KIDNEY AND HEPATIC DISEASE 1; POLYCYSTIC KIDNEY DISEASE, INFANTILE, TYPE I; Autosomal Recessive Polycystic Kidney Disease – PKHD1. Identifiers: MedGen C4540575, MONDO:0033004, OMIM 263200.
PKHD1-related disorder. Also called: PKHD1-related condition.

Submissions (4):

PreventionGenetics, part of Exact Sciences
Classification: Pathogenic for PKHD1-related condition. Last evaluated: 2026-05-28. Review status: criteria provided, single submitter. Criteria: ACMG Guidelines, 2015. Collection method: clinical testing. Allele origin: germline.
Comment: The PKHD1 c.6209G>A variant is predicted to result in premature protein termination (p.Trp2070*). This variant was reported in the compound heterozygous state in an individual with autosomal recessive polycystic kidney disease (Bergmann et al. 2004. PubMed ID: 15108281). This variant has not been reported in a large population database (gnomAD), indicating this variant is rare. Nonsense variants in PKHD1 are expected to be pathogenic. This variant is interpreted as pathogenic.

Natera, Inc.
Classification: Pathogenic for Autosomal recessive polycystic kidney disease. Last evaluated: 2025-03-11. Review status: criteria provided, single submitter. Criteria: Natera Variant Classification Schema (03/2026). Collection method: clinical testing. Allele origin: germline.
Comment: The c.6209G>A variant in PKHD1 is a nonsense variant predicted to introduce a stop codon at amino acid 2070. This variant is expected to result in nonsense mediated decay, truncation, or a dysfunctional protein product. This variant is rare in the general population with a frequency below the threshold expected for the associated phenotype(s). This variant has been observed in one or more individuals affected with the associated recessive disease, as either homozygous or compound heterozygous with a second variant (PMID: 15108277). Given the available evidence, this variant is classified as Pathogenic.

Fulgent Genetics
Classification: Pathogenic for Polycystic kidney disease 4. Last evaluated: 2024-06-18. Review status: criteria provided, single submitter. Criteria: ACMG Guidelines, 2015. Collection method: clinical testing. Allele origin: germline.

Baylor Genetics
Classification: Pathogenic for Polycystic kidney disease 4. Last evaluated: 2022-03-04. Review status: criteria provided, single submitter. Criteria: ACMG Guidelines, 2015. Collection method: clinical testing. Allele origin: unknown.

Literature cited by the submitters: PubMed 15108277 (cited by Natera, Inc.).

NM_138694.4(PKHD1):c.6209G>A (p.Trp2070Ter)

Gene: PKHD1 (PKHD1 ciliary IPT domain containing fibrocystin/polyductin; minus strand). Cytogenetic location: 6p12.2.
Variant type: single nucleotide variant.
Coding change: c.6209G>A on transcript NM_138694.4 (MANE Select); coding-DNA position 6209, G replaced by A.
Protein change: p.Trp2070Ter; replaces tryptophan 2070 with a stop codon.
Molecular consequence: nonsense.
Genome position (GRCh38, 1-based): chr6:51,912,489, C>T on the plus strand (G>A on the coding strand, the complement: PKHD1 is on the minus strand). VCF-style: chr6-51912489-C-T. GRCh37 (hg19) VCF-style: chr6-51777287-C-T.
Other names: c.6209G>A, p.Trp2070Ter (NM_170724.3); c.6209G>A (NM_138694.3); short protein forms W2070*.
Identifiers: ClinVar variation 2677875 (VCV002677875.4), dbSNP rs2536682381, ClinGen allele CA364439792.